The following is an entry in ClinVar:

NM_001377142.1(PLCB4):c.903C>T (p.Asn301=)

Gene: PLCB4 (phospholipase C beta 4; plus strand). Cytogenetic location: 20p12.2.
Variant type: single nucleotide variant.
Coding change: c.903C>T on transcript NM_001377142.1 (MANE Select); coding-DNA position 903, C replaced by T.
Protein change: p.Asn301=; no amino-acid change (asparagine 301 retained).
Molecular consequence: synonymous variant.
Genome position (GRCh38, 1-based): chr20:9,384,250, C>T. VCF-style: chr20-9384250-C-T. GRCh37 (hg19) VCF-style: chr20-9364897-C-T.
Other names: c.903C>T, p.Asn301= (NM_000933.4, NM_001172646.2, NM_001377134.2 and 4 more transcripts).
Identifiers: ClinVar variation 896103 (VCV000896103.4), dbSNP rs142446000, ClinGen allele CA9760945.

ClinVar aggregate classification (germline): Likely benign (1 of 4 stars; one submission).

Conditions:
Auriculocondylar syndrome 2 (ARCND2A). Also called: AURICULOCONDYLAR SYNDROME 2A. Identifiers: Orphanet 137888, MedGen C3553404, MONDO:0013845, OMIM 614669.

Allele frequency attached by ClinVar (database versions not stated): gnomAD 0.00001; TOPMed 0.00003; gnomAD exomes 0.00005 and 0.00008; ExAC 0.00007; ESP Exome Variant Server 0.00008.
gnomAD v4.1: 78 of 1,613,972 alleles (0.0048%); highest among the groups gnomAD compares: South Asian, 0.029%; no homozygotes.

Submission:

Illumina Laboratory Services, Illumina
Classification: Likely benign for Auriculocondylar syndrome 2. Last evaluated: 2018-01-12. Review status: criteria provided, single submitter. Criteria: ICSL Variant Classification Criteria 13 December 2019. Collection method: clinical testing. Allele origin: germline.
Comment: This variant was observed in the ICSL laboratory as part of a predisposition screen in an ostensibly healthy population. It had not been previously curated by ICSL or reported in the Human Gene Mutation Database (HGMD: prior to June 1st, 2018), and was therefore a candidate for classification through an automated scoring system. Utilizing variant allele frequency, disease prevalence and penetrance estimates, and inheritance mode, an automated score was calculated to assess if this variant is too frequent to cause the disease. Based on the score and internal cut-off values, a variant classified as likely benign is not then subjected to further curation. The score for this variant resulted in a classification of likely benign for this disease.